The following is an entry in ClinVar:

NC_000002.11:g.(?_26680908)_(26760662_?)del

Gene: OTOF (otoferlin; minus strand). Cytogenetic location: 2p23.3.
Variant type: Deletion.
Identifiers: ClinVar variation 3247609 (VCV003247609.1).

ClinVar aggregate classification (germline): Pathogenic (1 of 4 stars; one submission).

Submission:

Labcorp Genetics (formerly Invitae), Labcorp
Classification: Pathogenic. Last evaluated: 2023-02-02. Review status: criteria provided, single submitter. Criteria: Invitae Variant Classification Sherloc (09022015). Collection method: clinical testing. Allele origin: unknown.
Comment: This variant is a gross deletion of the genomic region encompassing exon(s) 2-47 of the OTOF gene, which includes the termination codon. This deletion extends beyond the assayed region for this gene and therefore may encompass additional genes. While this deletion is not anticipated to lead to nonsense mediated decay, it is expected to alter mRNA translation or result in a truncated protein product. This variant has not been reported in the literature in individuals affected with OTOF-related conditions. This variant disrupts a region of the OTOF protein in which other variant(s) (p.Arg1856Trp) have been determined to be pathogenic (PMID: 26445815, 26632695, 30482216, 32860223, 34416374). This suggests that this is a clinically significant region of the protein, and that variants that disrupt it are likely to be disease-causing. For these reasons, this variant has been classified as Pathogenic.

Literature cited by the submitters: PubMed 26445815; PubMed 26632695; PubMed 30482216; PubMed 32860223; PubMed 34416374.